The following is an entry in ClinVar:

ClinVar aggregate classification (germline): Pathogenic (1 of 4 stars; one submission).

Conditions:
Charcot-Marie-Tooth disease type 2. Also called: Charcot-Marie-Tooth type 2. Identifiers: Orphanet 64746, MedGen C0270914, MONDO:0018993.

Submission:

Labcorp Genetics (formerly Invitae), Labcorp
Classification: Pathogenic for Charcot-Marie-Tooth disease type 2. Last evaluated: 2024-05-22. Review status: criteria provided, single submitter. Criteria: Invitae Variant Classification Sherloc (09022015). Collection method: clinical testing. Allele origin: germline.
Comment: This sequence change results in a frameshift in the MFN2 gene (p.Phe748Leufs*28). While this is not anticipated to result in nonsense mediated decay, it is expected to disrupt the last 10 amino acid(s) of the MFN2 protein and extend the protein by 17 additional amino acid residues. This variant is not present in population databases (gnomAD no frequency). This variant has not been reported in the literature in individuals affected with MFN2-related conditions. This variant disrupts a region of the MFN2 protein in which other variant(s) (p.Tyr752*) have been determined to be pathogenic (PMID: 21508331, 34721278; Invitae). This suggests that this is a clinically significant region of the protein, and that variants that disrupt it are likely to be disease-causing. For these reasons, this variant has been classified as Pathogenic.

Literature cited by the submitters: PubMed 21508331; PubMed 34721278.

NM_014874.4(MFN2):c.2244del (p.Phe748fs)

Gene: MFN2 (mitofusin 2; plus strand). Cytogenetic location: 1p36.22.
Variant type: Deletion.
Coding change: c.2244del on transcript NM_014874.4 (MANE Select); coding-DNA position 2244, one base deleted (C; older notation c.2244delC).
Protein change: p.Phe748fs; shifts the reading frame from phenylalanine 748.
Molecular consequence: frameshift variant.
Genome position (GRCh38, 1-based): chr1:12,011,535, C deleted. VCF-style (leftmost placement, unchanged base first): chr1-12011534-TC-T. GRCh37 (hg19) VCF-style: chr1-12071591-TC-T.
Other names: c.2244del, p.Phe748fs (NM_001127660.2); short protein forms F748fs.
Identifiers: ClinVar variation 3654256 (VCV003654256.2).